The following is an entry in ClinVar:

ClinVar aggregate classification (germline): Uncertain significance. Review status: criteria provided, multiple submitters, no conflicts (2 of 4 stars). 2 submissions from 2 submitters: Uncertain significance (2). Last evaluated 2020-12-21.

Conditions:
Arrhythmogenic right ventricular dysplasia 11. Also called: Arrhythmogenic right ventricular dysplasia 11 with mild palmoplantar keratoderma and woolly hair; Arrhythmogenic Right Ventricular Dysplasia/Cardiomyopathy11; ARRHYTHMOGENIC RIGHT VENTRICULAR DYSPLASIA, FAMILIAL, 11. Identifiers: MedGen C1864850, MONDO:0012506, OMIM 610476.
Cardiovascular phenotype. Identifiers: MedGen CN230736.

Submissions (2):

Ambry Genetics
Classification: Uncertain significance for Cardiovascular phenotype. Last evaluated: 2020-12-21. Review status: criteria provided, single submitter. Criteria: Ambry Variant Classification Scheme 2023. Collection method: clinical testing. Allele origin: germline.
Comment: The p.G402C variant (also known as c.1204G>T), located in coding exon 9 of the DSC2 gene, results from a G to T substitution at nucleotide position 1204. The glycine at codon 402 is replaced by cysteine, an amino acid with highly dissimilar properties. This amino acid position is not well conserved in available vertebrate species. In addition, the in silico prediction for this alteration is inconclusive. Since supporting evidence is limited at this time, the clinical significance of this alteration remains unclear.

Labcorp Genetics (formerly Invitae), Labcorp
Classification: Uncertain significance for Arrhythmogenic right ventricular dysplasia 11. Last evaluated: 2018-09-23. Review status: criteria provided, single submitter. Criteria: Invitae Variant Classification Sherloc (09022015). Collection method: clinical testing. Allele origin: germline.
Comment: This sequence change replaces glycine with cysteine at codon 402 of the DSC2 protein (p.Gly402Cys). The glycine residue is highly conserved and there is a large physicochemical difference between glycine and cysteine. This variant is not present in population databases (ExAC no frequency). This variant has not been reported in the literature in individuals with DSC2-related disease. Algorithms developed to predict the effect of missense changes on protein structure and function are either unavailable or do not agree on the potential impact of this missense change (SIFT: "Deleterious"; PolyPhen-2: "Probably Damaging"; Align-GVGD: "Class C15"). In summary, the available evidence is currently insufficient to determine the role of this variant in disease. Therefore, it has been classified as a Variant of Uncertain Significance.

NM_024422.6(DSC2):c.1204G>T (p.Gly402Cys)

Gene: DSC2 (desmocollin 2; minus strand). Cytogenetic location: 18q12.1.
Variant type: single nucleotide variant.
Coding change: c.1204G>T on transcript NM_024422.6 (MANE Select); coding-DNA position 1204, G replaced by T.
Protein change: p.Gly402Cys; replaces glycine 402 with cysteine.
Molecular consequence: missense variant.
Genome position (GRCh38, 1-based): chr18:31,082,297, C>A on the plus strand (G>T on the coding strand, the complement: DSC2 is on the minus strand). VCF-style: chr18-31082297-C-A. GRCh37 (hg19) VCF-style: chr18-28662263-C-A.
Other names: c.1204G>T, p.Gly402Cys (NM_004949.5); short protein forms G402C.
Identifiers: ClinVar variation 644354 (VCV000644354.10), dbSNP rs1598583039, ClinGen allele CA402109569.